The following is an entry in ClinVar:

NM_002473.6(MYH9):c.3701A>G (p.Lys1234Arg)

Gene: MYH9 (myosin heavy chain 9; minus strand). Cytogenetic location: 22q12.3.
Variant type: single nucleotide variant.
Coding change: c.3701A>G on transcript NM_002473.6 (MANE Select); coding-DNA position 3701, A replaced by G.
Protein change: p.Lys1234Arg; replaces lysine 1234 with arginine.
Molecular consequence: missense variant.
Genome position (GRCh38, 1-based): chr22:36,294,228, T>C on the plus strand (A>G on the coding strand, the complement: MYH9 is on the minus strand). VCF-style: chr22-36294228-T-C. GRCh37 (hg19) VCF-style: chr22-36690274-T-C.
Other names: short protein forms K1234R.
Identifiers: ClinVar variation 932921 (VCV000932921.11), dbSNP rs544801273, ClinGen allele CA10209589.
Genomic context (GRCh38, chr22:36,294,228, plus strand): 5'-AGCTGCGCCTCCACTTTCTTGCGCTTGTGCTCCGAGTCCCCTTTGCCCTGCAGCAGCACC[T>C]TCACCTCGTTGGCCAGCTCCCCCCGCTCGTTCTCCAGAGTCTGCTTTGCCTTCTCGAGGT-3'
Protein context (NP_002464.1, residues 1224-1244): NERGELANEV[Lys1234Arg]VLLQGKGDSE

ClinVar aggregate classification (germline): Conflicting classifications of pathogenicity. Review status: criteria provided, conflicting classifications (1 of 4 stars). 6 submissions from 6 submitters: Uncertain significance (5); Benign (1). Last evaluated 2025-08-09.

Conditions:
Inborn genetic diseases. Identifiers: MedGen C0950123, MeSH D030342.
Macrothrombocytopenia and granulocyte inclusions with or without nephritis or sensorineural hearing loss (MATINS). Also called: MACROTHROMBOCYTOPENIA WITH LEUKOCYTE INCLUSIONS; DOHLE LEUKOCYTE INCLUSIONS WITH GIANT PLATELETS; BLEEDING DISORDER, PLATELET-TYPE, 6; SEBASTIAN PLATELET SYNDROME; MACROTHROMBOCYTOPENIA WITH DISPERSED LEUKOCYTIC INCLUSIONS; MACROTHROMBOCYTOPENIA, NEPHRITIS, AND DEAFNESS. Identifiers: Orphanet 182050, MedGen C5200934, MONDO:0015912, OMIM 155100.
Autosomal dominant nonsyndromic hearing loss 17. Also called: Deafness, autosomal dominant 17; Autosomal dominant nonsyndromic deafness 17. Identifiers: Orphanet 90635, MedGen C1863659, MONDO:0011350, OMIM 603622.

Allele frequency attached by ClinVar (database versions not stated): gnomAD exomes 0.00001; ExAC 0.00002; TOPMed 0.00008; gnomAD 0.00011; 1000 Genomes Project 0.00020; 1000 Genomes Project 30x 0.00031.
gnomAD v4.1: 28 of 1,614,162 alleles (0.0017%); highest among the groups gnomAD compares: African/African-American, 0.036%; no homozygotes.

Submissions (6):

Labcorp Genetics (formerly Invitae), Labcorp
Classification: Benign. Last evaluated: 2025-08-09. Review status: criteria provided, single submitter. Criteria: Invitae Variant Classification Sherloc (09022015). Collection method: clinical testing. Allele origin: germline.

GeneDx
Classification: Uncertain significance. Last evaluated: 2024-09-16. Review status: criteria provided, single submitter. Criteria: GeneDx Variant Classification Process June 2021. Collection method: clinical testing. Allele origin: germline. Affected: yes.
Comment: In silico analysis indicates that this missense variant does not alter protein structure/function; Has not been previously published as pathogenic or benign to our knowledge

St. Jude Molecular Pathology, St. Jude Children's Research Hospital
Classification: Uncertain significance for Macrothrombocytopenia and granulocyte inclusions with or without nephritis or sensorineural hearing loss. Last evaluated: 2024-04-26. Review status: criteria provided, single submitter. Criteria: St. Jude Assertion Criteria 2020. Collection method: clinical testing. Allele origin: germline.
Comment: The MYH9 c.3701A>G (p.Lys1234Arg) missense change has a maximum subpopulation frequency of 0.028% in gnomAD v2.1.1. The in silico tool REVEL is inconclusive about a pathogenic or benign effect of this variant on protein function, and to our knowledge functional studies have not been performed. To our knowledge, this variant has not been reported in individuals with MYH9-related disease. In summary, the evidence currently available is insufficient to determine the clinical significance of this variant. It has therefore been classified as of uncertain significance.

Ambry Genetics
Classification: Uncertain significance for Inborn genetic diseases. Last evaluated: 2022-10-06. Review status: criteria provided, single submitter. Criteria: Ambry Variant Classification Scheme 2023. Collection method: clinical testing. Allele origin: germline.

Fulgent Genetics
Classification: Uncertain significance for Macrothrombocytopenia and granulocyte inclusions with or without nephritis or sensorineural hearing loss; Autosomal dominant nonsyndromic hearing loss 17. Last evaluated: 2022-02-23. Review status: criteria provided, single submitter. Criteria: ACMG Guidelines, 2015. Collection method: clinical testing. Allele origin: unknown.

Johns Hopkins Genomics, Johns Hopkins University
Classification: Uncertain significance for Macrothrombocytopenia and granulocyte inclusions with or without nephritis or sensorineural hearing loss. Last evaluated: 2020-01-27. Review status: criteria provided, single submitter. Criteria: ACMG Guidelines, 2015. Collection method: clinical testing. Allele origin: germline.
Comment: MYH9 c.3701A>G has not been reported in ClinVar nor the literature, to our knowledge. This variant (rs544801273) is rare (<0.1%) in a large population dataset (gnomAD: 7/282768 total alleles; 0.002476%; no homozygotes). Three bioinformatics tools queried predict that the substitution would be neutral. Additionally, the lysine residue at this position is not evolutionarily conserved across species assessed. Due to lack of segregation and functional data, we consider the clinical significance of c.3701A>G to be uncertain at this time.